The following is an entry in ClinVar:

ClinVar aggregate classification (germline): Benign/Likely benign. Review status: criteria provided, multiple submitters, no conflicts (2 of 4 stars). 11 submissions from 11 submitters: Benign (6); Likely benign (4). 1 of the submissions does not count toward it. Last evaluated 2026-02-03.

Conditions:
G6PD deficiency. Also called: G6PD A-. Identifiers: MedGen C2939465, MONDO:0005775.
Anemia, nonspherocytic hemolytic, due to G6PD deficiency (CNSHA1). Also called: Class I glucose-6-phosphate dehydrogenase deficiency; ANEMIA, CONGENITAL, NONSPHEROCYTIC HEMOLYTIC, 1; Hemolytic anemia due to G6PD deficiency; Favism, susceptibility to. Identifiers: Orphanet 466026, MedGen C2720289, MONDO:0010480, OMIM 300908.

Allele frequency attached by ClinVar (database versions not stated): gnomAD exomes 0.00888 and 0.00313; gnomAD 0.03179 and 0.03373; 1000 Genomes Project 0.03338; TOPMed 0.03847; ESP Exome Variant Server 0.03986; ExAC 0.01200; 1000 Genomes Project 30x 0.03767.
gnomAD v4.1: 7,268 of 1,210,729 alleles (0.6%); highest among the groups gnomAD compares: African/African-American, 11%; 260 homozygotes.

Submissions (11):

Labcorp Genetics (formerly Invitae), Labcorp
Classification: Benign for Anemia, nonspherocytic hemolytic, due to G6PD deficiency. Last evaluated: 2026-02-03. Review status: criteria provided, single submitter. Criteria: Invitae Variant Classification Sherloc (09022015). Collection method: clinical testing. Allele origin: germline.

Women's Health and Genetics/Laboratory Corporation of America, LabCorp
Classification: Benign. Last evaluated: 2025-09-14. Review status: criteria provided, single submitter. Criteria: LabCorp Variant Classification Summary - May 2015. Collection method: clinical testing. Allele origin: germline.

ARUP Laboratories, Molecular Genetics and Genomics, ARUP Laboratories
Classification: Benign. Last evaluated: 2025-06-30. Review status: criteria provided, single submitter. Criteria: ARUP Molecular Germline Variant Investigation Process 2024. Collection method: clinical testing. Allele origin: germline.

Dunham Lab, University of Washington
Classification: Likely benign for Anemia, nonspherocytic hemolytic, due to G6PD deficiency. Last evaluated: 2024-12-05. Review status: criteria provided, single submitter. Criteria: Bayesian ACMG Guidelines, 2018. Collection method: curation. Allele origin: unknown. Affected: no.
Comment: Variant found in over 150 individuals without G6PD deficiency and the activity in red blood cells is within the normal range (BS2). Previously interpreted as bening (BP6). Post_P 0.0028 (odds of pathogenicity 0.026, Prior_P 0.1).

CeGaT Center for Human Genetics Tuebingen
Classification: Likely benign. Last evaluated: 2023-06-01. Review status: criteria provided, single submitter. Criteria: CeGaT Center For Human Genetics Tuebingen Variant Classification Criteria Version 2. Collection method: clinical testing. Allele origin: germline. Affected: yes. Observed: 1 variant allele.
Comment: G6PD: BP4

Mayo Clinic Laboratories, Mayo Clinic
Classification: Benign. Last evaluated: 2022-05-16. Review status: criteria provided, single submitter. Criteria: ACMG Guidelines, 2015. Collection method: clinical testing. Allele origin: germline. Observed: 78 variant alleles.
Comment: BS1, BS2

GeneDx
Classification: Benign. Last evaluated: 2018-07-09. Review status: criteria provided, single submitter. Criteria: GeneDx Variant Classification Process June 2021. Collection method: clinical testing. Allele origin: germline. Affected: yes.

Illumina Laboratory Services, Illumina
Classification: Likely benign for Glucose 6 phosphate dehydrogenase deficiency. Last evaluated: 2018-01-13. Review status: criteria provided, single submitter. Criteria: ICSL Variant Classification Criteria 13 December 2019. Collection method: clinical testing. Allele origin: germline.
Comment: This variant was observed in the ICSL laboratory as part of a predisposition screen in an ostensibly healthy population. It had not been previously curated by ICSL or reported in the Human Gene Mutation Database (HGMD: prior to June 1st, 2018), and was therefore a candidate for classification through an automated scoring system. Utilizing variant allele frequency, disease prevalence and penetrance estimates, and inheritance mode, an automated score was calculated to assess if this variant is too frequent to cause the disease. Based on the score and internal cut-off values, a variant classified as likely benign is not then subjected to further curation. The score for this variant resulted in a classification of likely benign for this disease.

Eurofins Ntd Llc (ga)
Classification: Benign. Last evaluated: 2015-04-01. Review status: criteria provided, single submitter. Criteria: EGL Classification Definitions 2015. Collection method: clinical testing. Allele origin: germline. Observed: 14 variant alleles, 11 heterozygotes, 1 homozygote, 2 hemizygotes.

Breakthrough Genomics
Classification: Likely benign. Review status: criteria provided, single submitter. Criteria: ACMG Guidelines, 2015. Collection method: not provided. Allele origin: germline. Inheritance: X-linked inheritance. Affected: yes.

OMIM
Classification: Benign for G6PD RFLP. Last evaluated: 2014-08-26. Review status: no assertion criteria provided. Collection method: literature only. Allele origin: germline. Not counted in ClinVar's aggregate classification.

Literature cited by the submitters: PubMed 12064920 (cited by Dunham Lab, University of Washington); PubMed 31590661 (cited by Dunham Lab, University of Washington); PubMed 2895981 (cited by OMIM).

NM_001360016.2(G6PD):c.1116G>A (p.Gln372=)

Gene: G6PD (glucose-6-phosphate dehydrogenase; minus strand). Cytogenetic location: Xq28.
Variant type: single nucleotide variant.
Coding change: c.1116G>A on transcript NM_001360016.2 (MANE Select); coding-DNA position 1116, G replaced by A.
Protein change: p.Gln372=; no amino-acid change (glutamine 372 retained).
Molecular consequence: synonymous variant.
Genome position (GRCh38, 1-based): chrX:154,532,738, C>T on the plus strand (G>A on the coding strand, the complement: G6PD is on the minus strand). VCF-style: chrX-154532738-C-T. GRCh37 (hg19) VCF-style: chrX-153760953-C-T.
Other names: G6PD, NT1116, G-A; p.Gln372=; c.1206G>A, p.Gln402= (NM_000402.4); c.1116G>A, p.Gln372= (NM_001042351.3).
Identifiers: ClinVar variation 10365 (VCV000010365.58), dbSNP rs2230036, ClinGen allele CA120947.